The following is an entry in ClinVar:

ClinVar aggregate classification (germline): Benign (1 of 4 stars; one submission).

gnomAD v4.1: 137,652 of 152,236 alleles (90%); highest among the groups gnomAD compares: East Asian, 100%; 62,302 homozygotes.

Submission:

Unidad de Genómica Garrahan, Hospital de Pediatría Garrahan
Classification: Benign. Last evaluated: 2024-07-31. Review status: criteria provided, single submitter. Criteria: ACMG Guidelines, 2015. Collection method: clinical testing. Allele origin: germline. Affected: no. Observed: 92 variant alleles.
Comment: This variant is classified as Benign based on local population frequency. This variant was detected in 99% of patients studied in a panel designed for Epileptic and Developmental Encephalopathy, Progressive Myoclonus Epilepsy and Abnormal Movements and Neurodegeneration with brain iron accumulation. Number of patients: 92. Only high quality variants are reported.

NM_001082971.2(DDC):c.315+407T>C

Genes: DDC (dopa decarboxylase; minus strand), DDC-AS1 (DDC antisense RNA 1; plus strand). Cytogenetic location: 7p12.1.
Variant type: single nucleotide variant.
Coding change: c.315+407T>C on transcript NM_001082971.2 (MANE Select); 407 bases into the intron after coding-DNA position 315, T replaced by C.
Molecular consequence: intron variant.
Genome position (GRCh38, 1-based): chr7:50,539,508, A>G on the plus strand (T>C on the coding strand, the complement: DDC is on the minus strand). VCF-style: chr7-50539508-A-G. GRCh37 (hg19) VCF-style: chr7-50607206-A-G.
Other names: c.201+4377T>C (NM_001242888.2); c.202-1529T>C (NM_001242886.2); c.315+407T>C (NM_001242889.2, NM_001242887.2, NM_000790.4 and 1 more transcripts).
Identifiers: ClinVar variation 3256803 (VCV003256803.2).